The following is an entry in ClinVar:

ClinVar aggregate classification (germline): Conflicting classifications of pathogenicity. Review status: criteria provided, conflicting classifications (1 of 4 stars). 9 submissions from 8 submitters: Uncertain significance (1); Benign (3); Likely benign (5). Last evaluated 2026-07-01.

Conditions:
Cardiovascular phenotype. Identifiers: MedGen CN230736.
Familial hypobetalipoproteinemia 1. Also called: APOB-Related Familial Hypobetalipoproteinemia; Hypobetalipoproteinemia, normotriglyceridemic; Acanthocytosis with hypobetalipoproteinemia. Identifiers: MedGen C4551990, MONDO:0014252, OMIM 615558.
Hypercholesterolemia, autosomal dominant, type B (FHCL2). Also called: HYPERCHOLESTEROLEMIA, FAMILIAL, DUE TO LIGAND-DEFECTIVE APOLIPOPROTEIN B; Familial Hypercholesterolemia Type B; Familial hypercholesterolemia 2; APOB-Related Familial Hypercholesterolemia, Autosomal Dominant; Hyperlipoproteinemia Type IIb; APOLIPOPROTEIN B-100, FAMILIAL DEFECTIVE. Identifiers: MedGen C1704417, MONDO:0007751, OMIM 144010.

Allele frequency attached by ClinVar (database versions not stated): TOPMed 0.00242; ESP Exome Variant Server 0.00254; 1000 Genomes Project 0.00339; 1000 Genomes Project 30x 0.00359.
gnomAD v4.1: 734 of 1,614,078 alleles (0.045%); highest among the groups gnomAD compares: African/African-American, 0.84%; 4 homozygotes.

Submissions (9):

CeGaT Center for Human Genetics Tuebingen
Classification: Likely benign. Last evaluated: 2026-07-01. Review status: criteria provided, single submitter. Criteria: CeGaT Center For Human Genetics Tuebingen Variant Classification Criteria Version 2. Collection method: clinical testing. Allele origin: germline. Affected: yes. Observed: 5 variant alleles.
Comment: APOB: BP4, BS2

Labcorp Genetics (formerly Invitae), Labcorp
Classification: Benign for Familial hypobetalipoproteinemia 1; Hypercholesterolemia, autosomal dominant, type B. Last evaluated: 2026-01-12. Review status: criteria provided, single submitter. Criteria: Invitae Variant Classification Sherloc (09022015). Collection method: clinical testing. Allele origin: germline.

ARUP Laboratories, Molecular Genetics and Genomics, ARUP Laboratories
Classification: Likely benign. Last evaluated: 2025-04-30. Review status: criteria provided, single submitter. Criteria: ARUP Molecular Germline Variant Investigation Process 2024. Collection method: clinical testing. Allele origin: germline.

Mayo Clinic Laboratories, Mayo Clinic
Classification: Likely benign. Last evaluated: 2024-10-18. Review status: criteria provided, single submitter. Criteria: ACMG Guidelines, 2015. Collection method: clinical testing. Allele origin: germline. Observed: 5 variant alleles.
Comment: BS1, BP4

Blueprint Genetics
Classification: Likely benign. Last evaluated: 2024-09-18. Review status: criteria provided, single submitter. Criteria: ACMG Guidelines, 2015. Collection method: clinical testing. Allele origin: germline.

Quest Diagnostics Nichols Institute San Juan Capistrano
Classification: Benign. Last evaluated: 2019-06-13. Review status: criteria provided, single submitter. Criteria: Quest Diagnostics criteria. Collection method: clinical testing. Allele origin: germline.

Ambry Genetics
Classification: Likely benign for Cardiovascular phenotype. Last evaluated: 2018-12-03. Review status: criteria provided, single submitter. Criteria: Ambry Variant Classification Scheme 2023. Collection method: clinical testing. Allele origin: germline.

Illumina Laboratory Services, Illumina
Classification: Uncertain significance for Familial hypobetalipoproteinemia 1. Last evaluated: 2018-07-18. Review status: criteria provided, single submitter. Criteria: ICSL Variant Classification Criteria 13 December 2019. Collection method: clinical testing. Allele origin: germline.

Illumina Laboratory Services, Illumina
Classification: Benign for Hypercholesterolemia, autosomal dominant, type B. Last evaluated: 2018-07-18. Review status: criteria provided, single submitter. Criteria: ICSL Variant Classification Criteria 13 December 2019. Collection method: clinical testing. Allele origin: germline.
Comment: This variant was observed as part of a predisposition screen in an ostensibly healthy population. A literature search was performed for the gene, cDNA change, and amino acid change (where applicable). Publications were found based on this search. The evidence from the literature, in combination with allele frequency data from public databases where available, was sufficient to rule this variant out of causing disease. Therefore, this variant is classified as benign.

Literature cited by the submitters: PubMed 20657596 (cited by 3 submitters); PubMed 36555767 (cited by Mayo Clinic Laboratories, Mayo Clinic); PubMed 28958330 (cited by Quest Diagnostics Nichols Institute San Juan Capistrano).

NM_000384.3(APOB):c.9140C>G (p.Thr3047Arg)

Gene: APOB (apolipoprotein B; minus strand). Cytogenetic location: 2p24.1.
Variant type: single nucleotide variant.
Coding change: c.9140C>G on transcript NM_000384.3 (MANE Select); coding-DNA position 9140, C replaced by G.
Protein change: p.Thr3047Arg; replaces threonine 3047 with arginine.
Molecular consequence: missense variant.
Genome position (GRCh38, 1-based): chr2:21,007,728, G>C on the plus strand (C>G on the coding strand, the complement: APOB is on the minus strand). VCF-style: chr2-21007728-G-C. GRCh37 (hg19) VCF-style: chr2-21230600-G-C.
Other names: p.Thr3047Arg; short protein forms T3047R.
Identifiers: ClinVar variation 544102 (VCV000544102.51), dbSNP rs61742323, ClinGen allele CA066307.